The following is an entry in ClinVar:

ClinVar aggregate classification (germline): Benign/Likely benign. Review status: criteria provided, multiple submitters, no conflicts (2 of 4 stars). 13 submissions from 11 submitters: Benign (11); Likely benign (2). Last evaluated 2026-02-04.

Conditions:
Immunodeficiency 36 with lymphoproliferation. Also called: Immunodeficiency 36; ACTIVATED PI3K-DELTA SYNDROME 2; Activated PI3K Delta Syndrome Type 2 (APDS2). Identifiers: Orphanet 397596, Orphanet 693681, MedGen C4014934, MONDO:0014453, OMIM 616005.
SHORT syndrome. Also called: LIPODYSTROPHY, PARTIAL, WITH RIEGER ANOMALY AND SHORT STATURE; PIK3R1-Related SHORT Syndrome; SHORT STATURE, HYPEREXTENSIBILITY, HERNIA, OCULAR DEPRESSION, RIEGER ANOMALY, AND TEETHING DELAY. Identifiers: Orphanet 3163, MedGen C0878684, MONDO:0010026, OMIM 269880.
Agammaglobulinemia 7, autosomal recessive (AGM7). Also called: AGAMMAGLOBULINEMIA, AUTOSOMAL RECESSIVE, DUE TO PIK3R1 DEFECT. Identifiers: MedGen C3554689, MONDO:0014083, OMIM 615214.

Allele frequency attached by ClinVar (database versions not stated): gnomAD exomes 0.26620 and 0.31453; ESP Exome Variant Server 0.29333; gnomAD 0.31073 and 0.31538; ExAC 0.31294; TOPMed 0.32492; 1000 Genomes Project 30x 0.41474; 1000 Genomes Project 0.41933.
gnomAD v4.1: 437,625 of 1,613,626 alleles (27%); highest among the groups gnomAD compares: East Asian, 71%; 66,189 homozygotes.

Submissions (13):

Labcorp Genetics (formerly Invitae), Labcorp
Classification: Benign for SHORT syndrome; Immunodeficiency 36 with lymphoproliferation; Agammaglobulinemia 7, autosomal recessive. Last evaluated: 2026-02-04. Review status: criteria provided, single submitter. Criteria: Invitae Variant Classification Sherloc (09022015). Collection method: clinical testing. Allele origin: germline.

Women's Health and Genetics/Laboratory Corporation of America, LabCorp
Classification: Benign. Last evaluated: 2026-01-21. Review status: criteria provided, single submitter. Criteria: LabCorp Variant Classification Summary - May 2015. Collection method: clinical testing. Allele origin: germline.

ARUP Laboratories, Molecular Genetics and Genomics, ARUP Laboratories
Classification: Benign. Last evaluated: 2025-07-30. Review status: criteria provided, single submitter. Criteria: ARUP Molecular Germline Variant Investigation Process 2024. Collection method: clinical testing. Allele origin: germline.

Blueprint Genetics
Classification: Benign. Last evaluated: 2024-11-26. Review status: criteria provided, single submitter. Criteria: ACMG Guidelines, 2015. Collection method: clinical testing. Allele origin: germline.

Unidad de Genómica Garrahan, Hospital de Pediatría Garrahan
Classification: Benign. Last evaluated: 2023-11-12. Review status: criteria provided, single submitter. Criteria: ACMG Guidelines, 2015. Collection method: clinical testing. Allele origin: germline. Affected: no. Observed: 52 variant alleles.
Comment: This variant is classified as Benign based on local population frequency. This variant was detected in 54% of patients studied by a panel of primary immunodeficiencies. Number of patients: 52. Only high quality variants are reported.

Mayo Clinic Laboratories, Mayo Clinic
Classification: Benign. Last evaluated: 2022-04-26. Review status: criteria provided, single submitter. Criteria: ACMG Guidelines, 2015. Collection method: clinical testing. Allele origin: germline. Observed: 524 variant alleles.

Genome-Nilou Lab
Classification: Benign for Agammaglobulinemia 7, autosomal recessive. Last evaluated: 2021-09-05. Review status: criteria provided, single submitter. Criteria: ACMG Guidelines, 2015. Collection method: clinical testing. Allele origin: germline. Affected: no.

Genome-Nilou Lab
Classification: Benign for Immunodeficiency 36 with lymphoproliferation. Last evaluated: 2021-09-05. Review status: criteria provided, single submitter. Criteria: ACMG Guidelines, 2015. Collection method: clinical testing. Allele origin: germline. Affected: no.

Genome-Nilou Lab
Classification: Benign for SHORT syndrome. Last evaluated: 2021-09-05. Review status: criteria provided, single submitter. Criteria: ACMG Guidelines, 2015. Collection method: clinical testing. Allele origin: germline. Affected: no.

GeneDx
Classification: Benign. Last evaluated: 2018-06-29. Review status: criteria provided, single submitter. Criteria: GeneDx Variant Classification Process June 2021. Collection method: clinical testing. Allele origin: germline. Affected: yes.
Comment: This variant is associated with the following publications: (PMID: 17016694)

Laboratory for Molecular Medicine, Mass General Brigham Personalized Medicine
Classification: Benign. Last evaluated: 2016-03-29. Review status: criteria provided, single submitter. Criteria: LMM Criteria. Collection method: clinical testing. Allele origin: germline.
Comment: Variant identified in a genome or exome case(s) and assessed due to predicted null impact of the variant or pathogenic assertions in the literature or databases. Disclaimer: This variant has not undergone full assessment. The following are preliminary notes: Frequency

Genetic Services Laboratory, University of Chicago
Classification: Likely benign. Last evaluated: 2013-10-31. Review status: criteria provided, single submitter. Criteria: ACMG Guidelines, 2007. Collection method: clinical testing. Allele origin: germline. Inheritance: Autosomal dominant inheritance.
Comment: Likely benign based on allele frequency in 1000 Genomes Project or ESP global frequency and its presence in a patient with a rare or unrelated disease phenotype. NOT Sanger confirmed

Breakthrough Genomics
Classification: Likely benign. Review status: criteria provided, single submitter. Criteria: ACMG Guidelines, 2015. Collection method: not provided. Allele origin: germline. Inheritance: Autosomal recessive inheritance. Affected: yes.

NM_181523.3(PIK3R1):c.219C>T (p.Tyr73=)

Gene: PIK3R1 (phosphoinositide-3-kinase regulatory subunit 1; plus strand). Cytogenetic location: 5q13.1.
Variant type: single nucleotide variant.
Coding change: c.219C>T on transcript NM_181523.3 (MANE Select); coding-DNA position 219, C replaced by T.
Protein change: p.Tyr73=; no amino-acid change (tyrosine 73 retained).
Molecular consequence: synonymous variant.
Genome position (GRCh38, 1-based): chr5:68,226,894, C>T. VCF-style: chr5-68226894-C-T. GRCh37 (hg19) VCF-style: chr5-67522722-C-T.
Other names: p.Tyr73=.
Identifiers: ClinVar variation 159722 (VCV000159722.43), dbSNP rs706713, ClinGen allele CA173187.